The following is an entry in ClinVar:

NM_001267727.2(ARSG):c.396T>A (p.Thr132=)

Gene: ARSG (arylsulfatase G; plus strand). Cytogenetic location: 17q24.2.
Variant type: single nucleotide variant.
Coding change: c.396T>A on transcript NM_001267727.2 (MANE Select); coding-DNA position 396, T replaced by A.
Protein change: p.Thr132=; no amino-acid change (threonine 132 retained).
Molecular consequence: synonymous variant.
Genome position (GRCh38, 1-based): chr17:68,343,781, T>A. VCF-style: chr17-68343781-T-A. GRCh37 (hg19) VCF-style: chr17-66339922-T-A.
Other names: c.396T>A, p.Thr132= (NM_001352899.2, NM_001352900.2, NM_001352901.2 and 9 more transcripts); c.396T>A (NM_014960.4).
Identifiers: ClinVar variation 1021538 (VCV001021538.13), dbSNP rs150832014, ClinGen allele CA8728179.
Genomic context (GRCh38, chr17:68,343,781, plus strand): 5'-AGGCCTTCCGCTCAACGAGACCACCTTGGCAGAGGTGCTGCAGCAGGCGGGTTACGTCAC[T>A]GGGATAATAGGTAACTCTGGGCCCCGTCTGCCTGTTGCATTTACTGCAGTGGCAGCCGCC-3'
Protein context (NP_001254656.1, residues 122-142): AEVLQQAGYV[Thr132=]GIIGKWHLGH

ClinVar aggregate classification (germline): Likely benign. Review status: criteria provided, multiple submitters, no conflicts (2 of 4 stars). 4 submissions from 4 submitters: Likely benign (3). 1 of the submissions does not count toward it. Last evaluated 2025-10-03.

Conditions:
ARSG-related disorder. Also called: ARSG-related condition.

Allele frequency attached by ClinVar (database versions not stated): gnomAD exomes 0.00002 and 0.00006; ExAC 0.00006; 1000 Genomes Project 30x 0.00016; 1000 Genomes Project 0.00020; gnomAD 0.00020 and 0.00023; TOPMed 0.00021; ESP Exome Variant Server 0.00031.
gnomAD v4.1: 57 of 1,612,588 alleles (0.0035%); highest among the groups gnomAD compares: African/African-American, 0.073%; no homozygotes.

Submissions (4):

Labcorp Genetics (formerly Invitae), Labcorp
Classification: Likely benign. Last evaluated: 2025-10-03. Review status: criteria provided, single submitter. Criteria: Invitae Variant Classification Sherloc (09022015). Collection method: clinical testing. Allele origin: germline.

Blueprint Genetics
Classification: Likely benign. Last evaluated: 2022-09-28. Review status: criteria provided, single submitter. Criteria: ACMG Guidelines, 2015. Collection method: clinical testing. Allele origin: germline.

Breakthrough Genomics
Classification: Likely benign. Review status: criteria provided, single submitter. Criteria: ACMG Guidelines, 2015. Collection method: not provided. Allele origin: germline. Inheritance: Autosomal recessive inheritance. Affected: yes.

PreventionGenetics, part of Exact Sciences
Classification: Likely benign for ARSG-related condition. Last evaluated: 2023-08-14. Review status: no assertion criteria provided. Collection method: clinical testing. Allele origin: germline. Not counted in ClinVar's aggregate classification.
Comment: This variant is classified as likely benign based on ACMG/AMP sequence variant interpretation guidelines (Richards et al. 2015 PMID: 25741868, with internal and published modifications).